The following is an entry in ClinVar:

ClinVar aggregate classification (germline): Uncertain significance (1 of 4 stars; one submission).

Conditions:
Developmental delay with or without dysmorphic facies and autism. Identifiers: MedGen C5193106, MONDO:0032760, OMIM 618454.

Submission:

Institute of Human Genetics, University of Leipzig Medical Center
Classification: Uncertain significance for Developmental delay with or without dysmorphic facies and autism. Last evaluated: 2023-06-27. Review status: criteria provided, single submitter. Criteria: ACMG Guidelines, 2015. Collection method: clinical testing. Allele origin: unknown. Inheritance: Autosomal dominant inheritance. Affected: yes.
Comment: Criteria applied: PM2_SUP,PP2

NM_001375524.1(TRRAP):c.3015T>G (p.His1005Gln)

Gene: TRRAP (transformation/transcription domain associated protein; plus strand). Cytogenetic location: 7q22.1.
Variant type: single nucleotide variant.
Coding change: c.3015T>G on transcript NM_001375524.1 (MANE Select); coding-DNA position 3015, T replaced by G.
Protein change: p.His1005Gln; replaces histidine 1005 with glutamine.
Molecular consequence: missense variant.
Genome position (GRCh38, 1-based): chr7:98,927,206, T>G. VCF-style: chr7-98927206-T-G. GRCh37 (hg19) VCF-style: chr7-98524829-T-G.
Other names: c.3015T>G, p.His1005Gln (NM_001244580.2, NM_003496.4); short protein forms H1005Q.
Identifiers: ClinVar variation 2576596 (VCV002576596.2), dbSNP rs2484765711, ClinGen allele CA368296767.